The following is an entry in ClinVar:

NM_004606.5(TAF1):c.1808T>A (p.Phe603Tyr)

Gene: TAF1 (TATA-box binding protein associated factor 1; plus strand). Cytogenetic location: Xq13.1.
Variant type: single nucleotide variant.
Coding change: c.1808T>A on transcript NM_004606.5 (MANE Select); coding-DNA position 1808, T replaced by A.
Protein change: p.Phe603Tyr; replaces phenylalanine 603 with tyrosine.
Molecular consequence: missense variant. On other transcripts: non-coding transcript variant (9).
Genome position (GRCh38, 1-based): chrX:71,383,025, T>A. VCF-style: chrX-71383025-T-A. GRCh37 (hg19) VCF-style: chrX-70602875-T-A.
Other names: c.1808T>A, p.Phe603Tyr (NM_001286074.2, NM_001440852.1, NM_001440853.1); c.1745T>A, p.Phe582Tyr (NM_001440854.1, NM_138923.4); short protein forms F582Y, F603Y.
Identifiers: ClinVar variation 4536477 (VCV004536477.1).

ClinVar aggregate classification (germline): Uncertain significance (1 of 4 stars; one submission).

Submission:

GeneDx
Classification: Uncertain significance. Last evaluated: 2025-06-03. Review status: criteria provided, single submitter. Criteria: GeneDx Variant Classification Process June 2021. Collection method: clinical testing. Allele origin: germline. Affected: yes.
Comment: Not observed at significant frequency in large population cohorts (gnomAD); In silico analysis supports that this missense variant has a deleterious effect on protein structure/function; Has not been previously published as pathogenic or benign to our knowledge